The following is an entry in ClinVar:

NM_000051.4(ATM):c.7826T>A (p.Ile2609Asn)

Genes: ATM (ATM serine/threonine kinase; plus strand), C11orf65 (chromosome 11 open reading frame 65; minus strand). Cytogenetic location: 11q22.3.
Variant type: single nucleotide variant.
Coding change: c.7826T>A on transcript NM_000051.4 (MANE Select); coding-DNA position 7826, T replaced by A.
Protein change: p.Ile2609Asn; replaces isoleucine 2609 with asparagine.
Molecular consequence: missense variant. On other transcripts: intron variant (2).
Genome position (GRCh38, 1-based): chr11:108,332,799, T>A. VCF-style: chr11-108332799-T-A. GRCh37 (hg19) VCF-style: chr11-108203526-T-A.
Other names: c.*38+2421A>T (NM_001351110.2); c.7826T>A, p.Ile2609Asn (NM_001351834.2); c.641-23728A>T (NM_001330368.2); short protein forms I2609N.
Identifiers: ClinVar variation 1760782 (VCV001760782.2), dbSNP rs369846067, ClinGen allele CA382561315.

ClinVar aggregate classification (germline): Uncertain significance (1 of 4 stars; one submission).

Conditions:
Hereditary cancer-predisposing syndrome. Also called: Hereditary neoplastic syndrome; Neoplastic Syndromes, Hereditary; Tumor predisposition; Hereditary Cancer Syndrome. Identifiers: Orphanet 140162, MedGen C0027672, MeSH D009386, MONDO:0015356.

Submission:

Ambry Genetics
Classification: Uncertain significance for Hereditary cancer-predisposing syndrome. Last evaluated: 2019-10-31. Review status: criteria provided, single submitter. Criteria: Ambry Variant Classification Scheme 2023. Collection method: clinical testing. Allele origin: germline.
Comment: The p.I2609N variant (also known as c.7826T>A), located in coding exon 52 of the ATM gene, results from a T to A substitution at nucleotide position 7826. The isoleucine at codon 2609 is replaced by asparagine, an amino acid with dissimilar properties. This amino acid position is not well conserved in available vertebrate species. In addition, the in silico prediction for this alteration is inconclusive. Since supporting evidence is limited at this time, the clinical significance of this alteration remains unclear.